The following is an entry in ClinVar:

ClinVar aggregate classification (germline): Uncertain significance (1 of 4 stars; one submission).

Submission:

Labcorp Genetics (formerly Invitae), Labcorp
Classification: Uncertain significance. Last evaluated: 2024-10-11. Review status: criteria provided, single submitter. Criteria: Invitae Variant Classification Sherloc (09022015). Collection method: clinical testing. Allele origin: germline.
Comment: This sequence change falls in intron 2 of the INS gene. It does not directly change the encoded amino acid sequence of the INS protein. Information on the frequency of this variant in the gnomAD database is not available, as this variant may be reported differently in the database. This variant has not been reported in the literature in individuals affected with INS-related conditions. Experimental studies and prediction algorithms are not available or were not evaluated, and the effect of this variant on mRNA splicing is currently unknown. In summary, the available evidence is currently insufficient to determine the role of this variant in disease. Therefore, it has been classified as a Variant of Uncertain Significance.

NM_000207.3(INS):c.187+11_187+12inv

Genes: INS (insulin; minus strand), INS-IGF2 (INS-IGF2 readthrough; minus strand). Cytogenetic location: 11p15.5.
Variant type: Inversion.
Coding change: c.187+11_187+12inv on transcript NM_000207.3 (MANE Select).
Molecular consequence: intron variant.
Genome position: GRCh38 VCF-style: chr11-2160773-CA-TG. GRCh37 (hg19) VCF-style: chr11-2182003-CA-TG.
Other names: c.187+11_187+12inv (NM_001042376.3, NM_001185097.2, NM_001291897.2 and 1 more transcripts).
Identifiers: ClinVar variation 3607804 (VCV003607804.2).